The following is an entry in ClinVar:

ClinVar aggregate classification (germline): Uncertain significance (1 of 4 stars; one submission).

Submission:

Labcorp Genetics (formerly Invitae), Labcorp
Classification: Uncertain significance. Last evaluated: 2025-09-30. Review status: criteria provided, single submitter. Criteria: Invitae Variant Classification Sherloc (09022015). Collection method: clinical testing. Allele origin: germline.
Comment: This sequence change replaces aspartic acid, which is acidic and polar, with asparagine, which is neutral and polar, at codon 1512 of the MYH3 protein (p.Asp1512Asn). This variant is not present in population databases (gnomAD no frequency). This variant has not been reported in the literature in individuals affected with MYH3-related conditions. Invitae Evidence Modeling of protein sequence and biophysical properties (such as structural, functional, and spatial information, amino acid conservation, physicochemical variation, residue mobility, and thermodynamic stability) indicates that this missense variant is not expected to disrupt MYH3 protein function with a negative predictive value of 95%. In summary, the available evidence is currently insufficient to determine the role of this variant in disease. Therefore, it has been classified as a Variant of Uncertain Significance.

NM_002470.4(MYH3):c.4534G>A (p.Asp1512Asn)

Gene: MYH3 (myosin heavy chain 3; minus strand). Cytogenetic location: 17p13.1.
Variant type: single nucleotide variant.
Coding change: c.4534G>A on transcript NM_002470.4 (MANE Select); coding-DNA position 4534, G replaced by A.
Protein change: p.Asp1512Asn; replaces aspartic acid 1512 with asparagine.
Molecular consequence: missense variant.
Genome position (GRCh38, 1-based): chr17:10,633,704, C>T on the plus strand (G>A on the coding strand, the complement: MYH3 is on the minus strand). VCF-style: chr17-10633704-C-T. GRCh37 (hg19) VCF-style: chr17-10537021-C-T.
Other names: short protein forms D1512N.
Identifiers: ClinVar variation 4800669 (VCV004800669.1).